The following is an entry in ClinVar:

NM_002880.4(RAF1):c.862+3A>C

Gene: RAF1 (Raf-1 proto-oncogene, serine/threonine kinase; minus strand). Cytogenetic location: 3p25.2.
Variant type: single nucleotide variant.
Coding change: c.862+3A>C on transcript NM_002880.4 (MANE Select); 3 bases into the intron after coding-DNA position 862, A replaced by C.
Molecular consequence: intron variant.
Genome position (GRCh38, 1-based): chr3:12,600,385, T>G on the plus strand (A>C on the coding strand, the complement: RAF1 is on the minus strand). VCF-style: chr3-12600385-T-G. GRCh37 (hg19) VCF-style: chr3-12641884-T-G.
Other names: c.520+3A>C (NM_001354695.3); c.619+3A>C (NM_001354692.3, NM_001354691.3); c.679+3A>C (NM_001354694.3); c.763+3A>C (NM_001354693.3); c.922+3A>C (NM_001354689.3); c.862+3A>C (NM_001354690.3).
Identifiers: ClinVar variation 3363813 (VCV003363813.1).

ClinVar aggregate classification (germline): Uncertain significance (1 of 4 stars; one submission).

Submission:

GeneDx
Classification: Uncertain significance. Last evaluated: 2023-11-17. Review status: criteria provided, single submitter. Criteria: GeneDx Variant Classification Process June 2021. Collection method: clinical testing. Allele origin: germline. Affected: yes.
Comment: Has not been previously published as pathogenic or benign to our knowledge; Not observed at significant frequency in large population cohorts (gnomAD); In silico analysis supports a deleterious effect on splicing